The following is an entry in ClinVar:

ClinVar aggregate classification (germline): Uncertain significance (1 of 4 stars; one submission).

Conditions:
Adams-Oliver syndrome 5 (AOS5). Identifiers: Orphanet 974, MedGen C4014970, MONDO:0014459, OMIM 616028.

gnomAD v4.1: 1 of 1,612,080 alleles (0.000062%); highest among the groups gnomAD compares: Non-Finnish European, 0.000085%; no homozygotes.

Submission:

Labcorp Genetics (formerly Invitae), Labcorp
Classification: Uncertain significance for Adams-Oliver syndrome 5. Last evaluated: 2024-06-25. Review status: criteria provided, single submitter. Criteria: Invitae Variant Classification Sherloc (09022015). Collection method: clinical testing. Allele origin: germline.
Comment: This sequence change replaces alanine, which is neutral and non-polar, with aspartic acid, which is acidic and polar, at codon 1954 of the NOTCH1 protein (p.Ala1954Asp). This variant is not present in population databases (gnomAD no frequency). This variant has not been reported in the literature in individuals affected with NOTCH1-related conditions. Advanced modeling of protein sequence and biophysical properties (such as structural, functional, and spatial information, amino acid conservation, physicochemical variation, residue mobility, and thermodynamic stability) has been performed at Invitae for this missense variant, however the output from this modeling did not meet the statistical confidence thresholds required to predict the impact of this variant on NOTCH1 protein function. In summary, the available evidence is currently insufficient to determine the role of this variant in disease. Therefore, it has been classified as a Variant of Uncertain Significance.

NM_017617.5(NOTCH1):c.5861C>A (p.Ala1954Asp)

Gene: NOTCH1 (notch receptor 1; minus strand). Cytogenetic location: 9q34.3.
Variant type: single nucleotide variant.
Coding change: c.5861C>A on transcript NM_017617.5 (MANE Select); coding-DNA position 5861, C replaced by A.
Protein change: p.Ala1954Asp; replaces alanine 1954 with aspartic acid.
Molecular consequence: missense variant.
Genome position (GRCh38, 1-based): chr9:136,500,625, G>T on the plus strand (C>A on the coding strand, the complement: NOTCH1 is on the minus strand). VCF-style: chr9-136500625-G-T. GRCh37 (hg19) VCF-style: chr9-139395077-G-T.
Other names: short protein forms A1954D.
Identifiers: ClinVar variation 3657734 (VCV003657734.2).
Genomic context (GRCh38, chr9:136,500,625, plus strand): 5'-TGTGCGTCGGCAGACACAGCCGCATGCAGCGGGGTGCGGCCCATGTTGTCCTGGATGTTG[G>T]CATCTGCGCTGGCCTCCAGCAGGCGCTTGGCGGCATCAGAGCGTGAGTAGCGGGCGGCCA-3'
Protein context (NP_060087.3, residues 1944-1964): AKRLLEASAD[Ala1954Asp]NIQDNMGRTP